The following is an entry in ClinVar:

NM_000036.3(AMPD1):c.958A>G (p.Lys320Glu)

Gene: AMPD1 (adenosine monophosphate deaminase 1; minus strand). Cytogenetic location: 1p13.2.
Variant type: single nucleotide variant.
Coding change: c.958A>G on transcript NM_000036.3 (MANE Select); coding-DNA position 958, A replaced by G.
Protein change: p.Lys320Glu; replaces lysine 320 with glutamic acid.
Molecular consequence: missense variant.
Genome position (GRCh38, 1-based): chr1:114,678,467, T>C on the plus strand (A>G on the coding strand, the complement: AMPD1 is on the minus strand). VCF-style: chr1-114678467-T-C. GRCh37 (hg19) VCF-style: chr1-115221088-T-C.
Other names: c.1057A>G (NM_000036.2); c.946A>G, p.Lys316Glu (NM_001172626.2); short protein forms K320E, K316E.
Identifiers: ClinVar variation 1384222 (VCV001384222.10), dbSNP rs376193713, ClinGen allele CA1020253.

ClinVar aggregate classification (germline): Uncertain significance. Review status: criteria provided, multiple submitters, no conflicts (2 of 4 stars). 4 submissions from 4 submitters: Uncertain significance (4). Last evaluated 2025-01-27.

Conditions:
Muscle AMP deaminase deficiency (MMDD). Also called: Myoadenylate deaminase deficiency, myopathy due to; Adenosine monophosphate deaminase 1 deficiency; AMP deaminase 1 deficiency; Adenosine Monophosphate Deaminase 1; ADENOSINE MONOPHOSPHATE DEAMINASE-1 DEFICIENCY, MYOPATHY DUE TO; AMPD1 DEFICIENCY. Identifiers: Orphanet 45, MedGen C3714933, MONDO:0014220, OMIM 615511.
Inborn genetic diseases. Identifiers: MedGen C0950123, MeSH D030342.

Allele frequency attached by ClinVar (database versions not stated): gnomAD exomes 0.00006; TOPMed 0.00006; ExAC 0.00007; gnomAD 0.00007 and 0.00008; ESP Exome Variant Server 0.00008.
gnomAD v4.1: 93 of 1,614,072 alleles (0.0058%); highest among the groups gnomAD compares: Non-Finnish European, 0.0077%; no homozygotes.

Submissions (4):

Labcorp Genetics (formerly Invitae), Labcorp
Classification: Uncertain significance for Muscle AMP deaminase deficiency. Last evaluated: 2025-01-27. Review status: criteria provided, single submitter. Criteria: Invitae Variant Classification Sherloc (09022015). Collection method: clinical testing. Allele origin: germline.
Comment: This sequence change replaces lysine, which is basic and polar, with glutamic acid, which is acidic and polar, at codon 353 of the AMPD1 protein (p.Lys353Glu). This variant is present in population databases (rs376193713, gnomAD 0.01%). This variant has not been reported in the literature in individuals affected with AMPD1-related conditions. ClinVar contains an entry for this variant (Variation ID: 1384222). Invitae Evidence Modeling of protein sequence and biophysical properties (such as structural, functional, and spatial information, amino acid conservation, physicochemical variation, residue mobility, and thermodynamic stability) has been performed for this missense variant. However, the output from this modeling did not meet the statistical confidence thresholds required to predict the impact of this variant on AMPD1 protein function. In summary, the available evidence is currently insufficient to determine the role of this variant in disease. Therefore, it has been classified as a Variant of Uncertain Significance.

Blueprint Genetics
Classification: Uncertain significance. Last evaluated: 2024-10-16. Review status: criteria provided, single submitter. Criteria: ACMG Guidelines, 2015. Collection method: clinical testing. Allele origin: germline.

Ambry Genetics
Classification: Uncertain significance for Inborn genetic diseases. Last evaluated: 2023-12-27. Review status: criteria provided, single submitter. Criteria: Ambry Variant Classification Scheme 2023. Collection method: clinical testing. Allele origin: germline.

Revvity Omics, Revvity
Classification: Uncertain significance for Muscle AMP deaminase deficiency. Last evaluated: 2019-09-13. Review status: criteria provided, single submitter. Criteria: ACMG Guidelines, 2015. Collection method: clinical testing. Allele origin: germline.